The following is an entry in ClinVar:

ClinVar aggregate classification (germline): Pathogenic (1 of 4 stars; one submission).

Conditions:
Deficiency of acetyl-CoA acetyltransferase. Also called: 3-KETOTHIOLASE DEFICIENCY; 3-OXOTHIOLASE DEFICIENCY; MITOCHONDRIAL ACETOACETYL-CoA THIOLASE DEFICIENCY; Beta-ketothiolase deficiency. Identifiers: Orphanet 134, MedGen C1536500, MONDO:0008760, OMIM 203750. Disease mechanism: loss of function.

gnomAD v4.1: 1 of 1,614,150 alleles (0.000062%); highest among the groups gnomAD compares: East Asian, 0.0022%; no homozygotes.

Submission:

Myriad Genetics, Inc.
Classification: Pathogenic for Deficiency of acetyl-CoA acetyltransferase. Last evaluated: 2026-06-15. Review status: criteria provided, single submitter. Criteria: Myriad Autosomal Dominant, Autosomal Recessive and X-Linked Classification Criteria (2023). Collection method: clinical testing. Allele origin: unknown.
Comment: NM_000019.3(ACAT1):c.678G>A(W226*) is expected to be pathogenic in the context of beta-ketothiolase deficiency. This variant is predicted to lead to an abnormal or absent protein product due to the creation of a premature termination codon in ACAT1, a gene where loss-of-function variants are known to be pathogenic. Please note: this variant was assessed in the context of healthy population screening.

NM_000019.4(ACAT1):c.678G>A (p.Trp226Ter)

Gene: ACAT1 (acetyl-CoA acetyltransferase 1; plus strand). Cytogenetic location: 11q22.3.
Variant type: single nucleotide variant.
Coding change: c.678G>A on transcript NM_000019.4 (MANE Select); coding-DNA position 678, G replaced by A.
Protein change: p.Trp226Ter; replaces tryptophan 226 with a stop codon.
Molecular consequence: nonsense. On other transcripts: non-coding transcript variant (2).
Genome position (GRCh38, 1-based): chr11:108,140,163, G>A. VCF-style: chr11-108140163-G-A. GRCh37 (hg19) VCF-style: chr11-108010890-G-A.
Other names: c.678G>A, p.Trp226Ter (NM_001386677.1); c.363G>A, p.Trp121Ter (NM_001386678.1); c.381G>A, p.Trp127Ter (NM_001386679.1); c.408G>A, p.Trp136Ter (NM_001386681.1, NM_001386682.1, NM_001386685.1 and 6 more transcripts); short protein forms W121*, W127*, W136*, W226*.
Identifiers: ClinVar variation 5016039 (VCV005016039.1).